The following is an entry in ClinVar:

NM_182919.4(TICAM1):c.1198C>T (p.Leu400Phe)

Gene: TICAM1 (TIR domain containing adaptor molecule 1; minus strand). Cytogenetic location: 19p13.3.
Variant type: single nucleotide variant.
Coding change: c.1198C>T on transcript NM_182919.4 (MANE Select); coding-DNA position 1198, C replaced by T.
Protein change: p.Leu400Phe; replaces leucine 400 with phenylalanine.
Molecular consequence: missense variant.
Genome position (GRCh38, 1-based): chr19:4,817,180, G>A on the plus strand (C>T on the coding strand, the complement: TICAM1 is on the minus strand). VCF-style: chr19-4817180-G-A. GRCh37 (hg19) VCF-style: chr19-4817192-G-A.
Other names: c.1156C>T, p.Leu386Phe (NM_001385678.1); c.1063C>T, p.Leu355Phe (NM_001385679.1); c.556C>T, p.Leu186Phe (NM_001385680.1); short protein forms L400F, L186F, L355F, L386F.
Identifiers: ClinVar variation 1917556 (VCV001917556.5), dbSNP rs201821648, ClinGen allele CA304547665.
Genomic context (GRCh38, chr19:4,817,180, plus strand): 5'-CAAGGGCCTCCAGCTTCTCCCGAACCCGCAGGGCGATGTGTTCGTCTGCCCTGGCGTGGA[G>A]GATCACAAAGTTATAGAATTTCTGTTCCGATGATGATTCCAGGGAGGAAGGGAACAGGGA-3'
Protein context (NP_891549.1, residues 390-410): SEQKFYNFVI[Leu400Phe]HARADEHIAL

ClinVar aggregate classification (germline): Uncertain significance (1 of 4 stars; one submission).

Conditions:
Encephalopathy, acute, infection-induced (herpes-specific), susceptibility to, 6. Also called: Herpes simplex encephalitis, susceptibility to, 4. Identifiers: Orphanet 1930, MedGen C3553869, MONDO:0013921, OMIM 614850.

Allele frequency attached by ClinVar (database versions not stated): gnomAD exomes below 0.00001.

Submission:

Labcorp Genetics (formerly Invitae), Labcorp
Classification: Uncertain significance for Encephalopathy, acute, infection-induced (herpes-specific), susceptibility to, 6. Last evaluated: 2022-07-23. Review status: criteria provided, single submitter. Criteria: Invitae Variant Classification Sherloc (09022015). Collection method: clinical testing. Allele origin: germline.
Comment: In summary, the available evidence is currently insufficient to determine the role of this variant in disease. Therefore, it has been classified as a Variant of Uncertain Significance. Algorithms developed to predict the effect of missense changes on protein structure and function are either unavailable or do not agree on the potential impact of this missense change (SIFT: "Deleterious"; PolyPhen-2: "Probably Damaging"; Align-GVGD: "Class C0"). This variant has not been reported in the literature in individuals affected with TICAM1-related conditions. This variant is not present in population databases (gnomAD no frequency). This sequence change replaces leucine, which is neutral and non-polar, with phenylalanine, which is neutral and non-polar, at codon 400 of the TICAM1 protein (p.Leu400Phe).